The following is an entry in ClinVar:

ClinVar aggregate classification (germline): Benign/Likely benign. Review status: criteria provided, multiple submitters, no conflicts (2 of 4 stars). 3 submissions from 3 submitters: Benign (1); Likely benign (2). Last evaluated 2026-08-17.

Conditions:
Hereditary cancer-predisposing syndrome. Also called: Neoplastic Syndromes, Hereditary; Tumor predisposition; Hereditary Cancer Syndrome; Hereditary neoplastic syndrome. Identifiers: Orphanet 140162, MedGen C0027672, MeSH D009386, MONDO:0015356.
DICER1-related tumor predisposition. Also called: DICER1-related pleuropulmonary blastoma cancer predisposition syndrome; DICER1 syndrome. Identifiers: Orphanet 284343, MedGen C3839822, MONDO:0100216.

Allele frequency attached by ClinVar (database versions not stated): ExAC 0.00001; gnomAD exomes below 0.00001.
gnomAD v4.1: 6 of 1,613,700 alleles (0.00037%); highest among the groups gnomAD compares: South Asian, 0.0044%; no homozygotes.

Submissions (3):

Myriad Genetics, Inc.
Classification: Benign for DICER1-related tumor predisposition. Last evaluated: 2026-08-17. Review status: criteria provided, single submitter. Criteria: Myriad Autosomal Dominant, Autosomal Recessive and X-Linked Classification Criteria (2023). Collection method: clinical testing. Allele origin: unknown.
Comment: This variant is considered benign. This variant is a silent/synonymous amino acid change and it is not expected to impact splicing.

Ambry Genetics
Classification: Likely benign for Hereditary cancer-predisposing syndrome. Last evaluated: 2024-08-05. Review status: criteria provided, single submitter. Criteria: Ambry Variant Classification Scheme 2023. Collection method: clinical testing. Allele origin: germline.

Labcorp Genetics (formerly Invitae), Labcorp
Classification: Likely benign for DICER1-related tumor predisposition. Last evaluated: 2024-07-08. Review status: criteria provided, single submitter. Criteria: Invitae Variant Classification Sherloc (09022015). Collection method: clinical testing. Allele origin: germline.

NM_177438.3(DICER1):c.2556T>C (p.Tyr852=)

Gene: DICER1 (dicer 1, ribonuclease III; minus strand). Cytogenetic location: 14q32.13.
Variant type: single nucleotide variant.
Coding change: c.2556T>C on transcript NM_177438.3 (MANE Select); coding-DNA position 2556, T replaced by C.
Protein change: p.Tyr852=; no amino-acid change (tyrosine 852 retained).
Molecular consequence: synonymous variant. On other transcripts: non-coding transcript variant (6).
Genome position (GRCh38, 1-based): chr14:95,107,974, A>G on the plus strand (T>C on the coding strand, the complement: DICER1 is on the minus strand). VCF-style: chr14-95107974-A-G. GRCh37 (hg19) VCF-style: chr14-95574311-A-G.
Other names: c.2556T>C, p.Tyr852= (NM_001195573.1, NM_001271282.3, NM_001291628.2 and 13 more transcripts); c.2274T>C, p.Tyr758= (NM_001395686.1); c.2151T>C, p.Tyr717= (NM_001395687.1, NM_001395688.1, NM_001395689.1 and 2 more transcripts); c.1989T>C, p.Tyr663= (NM_001395691.1); c.873T>C, p.Tyr291= (NM_001395697.1).
Identifiers: ClinVar variation 2787134 (VCV002787134.5), dbSNP rs777402206, ClinGen allele CA7331223.
Genomic context (GRCh38, chr14:95,107,974, plus strand): 5'-AGCGTCTGTAGGTTTAAATTCTAGTGCAGGTTTTTCAAGCCGAAGAATATGTGAGAATAT[A>G]TACTGGTGAAGTCTTGTAATCAACTCAAGCATTTGTAGAGACAACATGAAACCAGACTTC-3'
Protein context (NP_803187.1, residues 842-862): MLELITRLHQ[Tyr852=]IFSHILRLEK